The following is an entry in ClinVar:

NM_173560.4(RFX6):c.1291G>A (p.Gly431Ser)

Gene: RFX6 (regulatory factor X6; plus strand). Cytogenetic location: 6q22.1.
Variant type: single nucleotide variant.
Coding change: c.1291G>A on transcript NM_173560.4 (MANE Select); coding-DNA position 1291, G replaced by A.
Protein change: p.Gly431Ser; replaces glycine 431 with serine.
Molecular consequence: missense variant.
Genome position (GRCh38, 1-based): chr6:116,920,418, G>A. VCF-style: chr6-116920418-G-A. GRCh37 (hg19) VCF-style: chr6-117241581-G-A.
Other names: short protein forms G431S.
Identifiers: ClinVar variation 2446086 (VCV002446086.1), dbSNP rs1775568475, ClinGen allele CA365433410.

ClinVar aggregate classification (germline): Uncertain significance (1 of 4 stars; one submission).

Allele frequency attached by ClinVar (database versions not stated): gnomAD 0.00001.
gnomAD v4.1: 1 of 1,613,212 alleles (0.000062%); highest among the groups gnomAD compares: African/African-American, 0.0013%; no homozygotes.

Submission:

GeneDx
Classification: Uncertain significance. Last evaluated: 2022-09-22. Review status: criteria provided, single submitter. Criteria: GeneDx Variant Classification Process June 2021. Collection method: clinical testing. Allele origin: germline. Affected: yes.
Comment: Not observed at significant frequency in large population cohorts (gnomAD); In silico analysis supports that this missense variant does not alter protein structure/function; Has not been previously published as pathogenic or benign to our knowledge